The following is an entry in ClinVar:

NM_024747.6(HPS6):c.89C>T (p.Ser30Leu)

Genes: HPS6 (HPS6 biogenesis of lysosomal organelles complex 2 subunit 3; plus strand), LOC130004578 (ATAC-STARR-seq lymphoblastoid silent region 2738; plus strand). Cytogenetic location: 10q24.32.
Variant type: single nucleotide variant.
Coding change: c.89C>T on transcript NM_024747.6 (MANE Select); coding-DNA position 89, C replaced by T.
Protein change: p.Ser30Leu; replaces serine 30 with leucine.
Molecular consequence: missense variant.
Genome position (GRCh38, 1-based): chr10:102,065,563, C>T. VCF-style: chr10-102065563-C-T. GRCh37 (hg19) VCF-style: chr10-103825320-C-T.
Other names: short protein forms S30L.
Identifiers: ClinVar variation 1517273 (VCV001517273.5), dbSNP rs1426841665, ClinGen allele CA377854217.

ClinVar aggregate classification (germline): Uncertain significance (1 of 4 stars; one submission).

Allele frequency attached by ClinVar (database versions not stated): gnomAD exomes below 0.00001; gnomAD 0.00001.
gnomAD v4.1: 2 of 1,549,132 alleles (0.00013%); highest among the groups gnomAD compares: African/African-American, 0.0014%; no homozygotes.

Submission:

Labcorp Genetics (formerly Invitae), Labcorp
Classification: Uncertain significance. Last evaluated: 2021-08-30. Review status: criteria provided, single submitter. Criteria: Invitae Variant Classification Sherloc (09022015). Collection method: clinical testing. Allele origin: germline.
Comment: This sequence change replaces serine with leucine at codon 30 of the HPS6 protein (p.Ser30Leu). The serine residue is weakly conserved and there is a large physicochemical difference between serine and leucine. The frequency data for this variant in the population databases is considered unreliable, as metrics indicate insufficient coverage at this position in the ExAC database. This variant has not been reported in the literature in individuals affected with HPS6-related conditions. Algorithms developed to predict the effect of missense changes on protein structure and function are either unavailable or do not agree on the potential impact of this missense change (SIFT: "Deleterious"; PolyPhen-2: "Benign"; Align-GVGD: "Class C0"). In summary, the available evidence is currently insufficient to determine the role of this variant in disease. Therefore, it has been classified as a Variant of Uncertain Significance.